The following is an entry in ClinVar:

ClinVar aggregate classification (germline): Uncertain significance (1 of 4 stars; one submission).

Conditions:
Inborn genetic diseases. Identifiers: MedGen C0950123, MeSH D030342.

Submission:

Ambry Genetics
Classification: Uncertain significance for Inborn genetic diseases. Last evaluated: 2026-04-26. Review status: criteria provided, single submitter. Criteria: Ambry Variant Classification Scheme 2023. Collection method: clinical testing. Allele origin: germline.
Comment: The p.L61F variant (also known as c.183G>C), located in coding exon 2 of the FANCA gene, results from a G to C substitution at nucleotide position 183. The leucine at codon 61 is replaced by phenylalanine, an amino acid with highly similar properties. This amino acid position is conserved. In addition, this alteration is predicted to be tolerated by in silico analysis. Based on the available evidence, the clinical significance of this variant remains unclear.

NM_000135.4(FANCA):c.183G>C (p.Leu61Phe)

Gene: FANCA (FA complementation group A; minus strand). Cytogenetic location: 16q24.3.
Variant type: single nucleotide variant.
Coding change: c.183G>C on transcript NM_000135.4 (MANE Select); coding-DNA position 183, G replaced by C.
Protein change: p.Leu61Phe; replaces leucine 61 with phenylalanine.
Molecular consequence: missense variant.
Genome position (GRCh38, 1-based): chr16:89,815,883, C>G on the plus strand (G>C on the coding strand, the complement: FANCA is on the minus strand). VCF-style: chr16-89815883-C-G. GRCh37 (hg19) VCF-style: chr16-89882291-C-G.
Other names: c.183G>C, p.Leu61Phe (NM_001018112.3, NM_001286167.3, NM_001351830.2); short protein forms L61F.
Identifiers: ClinVar variation 4870851 (VCV004870851.1).